The following is an entry in ClinVar:

ClinVar aggregate classification (germline): Uncertain significance (1 of 4 stars; one submission).

Conditions:
Cardiovascular phenotype. Identifiers: MedGen CN230736.

Submission:

Ambry Genetics
Classification: Uncertain significance for Cardiovascular phenotype. Last evaluated: 2026-01-16. Review status: criteria provided, single submitter. Criteria: Ambry Variant Classification Scheme 2023. Collection method: clinical testing. Allele origin: germline.
Comment: The p.R384L variant (also known as c.1151G>T), located in coding exon 10 of the PTPN11 gene, results from a G to T substitution at nucleotide position 1151. The arginine at codon 384 is replaced by leucine, an amino acid with dissimilar properties. This amino acid position is conserved. In addition, the in silico prediction for this alteration is inconclusive. Based on the available evidence, the clinical significance of this variant remains unclear.

NM_002834.5(PTPN11):c.1151G>T (p.Arg384Leu)

Gene: PTPN11 (protein tyrosine phosphatase non-receptor type 11; plus strand). Cytogenetic location: 12q24.13.
Variant type: single nucleotide variant.
Coding change: c.1151G>T on transcript NM_002834.5 (MANE Select); coding-DNA position 1151, G replaced by T.
Protein change: p.Arg384Leu; replaces arginine 384 with leucine.
Molecular consequence: missense variant.
Genome position (GRCh38, 1-based): chr12:112,482,132, G>T. VCF-style: chr12-112482132-G-T. GRCh37 (hg19) VCF-style: chr12-112919936-G-T.
Other names: c.1151G>T, p.Arg384Leu (NM_001330437.2, NM_080601.3); c.1148G>T, p.Arg383Leu (NM_001374625.1); short protein forms R383L, R384L.
Identifiers: ClinVar variation 4825454 (VCV004825454.1).